The following is an entry in ClinVar:

ClinVar aggregate classification (germline): Uncertain significance (1 of 4 stars; one submission).

Allele frequency attached by ClinVar (database versions not stated): gnomAD 0.00001; gnomAD exomes 0.00001; TOPMed 0.00002; ESP Exome Variant Server 0.00008.

Submission:

Labcorp Genetics (formerly Invitae), Labcorp
Classification: Uncertain significance. Last evaluated: 2024-08-19. Review status: criteria provided, single submitter. Criteria: Invitae Variant Classification Sherloc (09022015). Collection method: clinical testing. Allele origin: germline.
Comment: This sequence change replaces glycine, which is neutral and non-polar, with serine, which is neutral and polar, at codon 1297 of the DCHS1 protein (p.Gly1297Ser). This variant is present in population databases (rs368461039, gnomAD 0.0009%). This variant has not been reported in the literature in individuals affected with DCHS1-related conditions. Invitae Evidence Modeling of protein sequence and biophysical properties (such as structural, functional, and spatial information, amino acid conservation, physicochemical variation, residue mobility, and thermodynamic stability) indicates that this missense variant is not expected to disrupt DCHS1 protein function with a negative predictive value of 80%. In summary, the available evidence is currently insufficient to determine the role of this variant in disease. Therefore, it has been classified as a Variant of Uncertain Significance.

NM_003737.4(DCHS1):c.3889G>A (p.Gly1297Ser)

Gene: DCHS1 (dachsous cadherin-related 1; minus strand). Cytogenetic location: 11p15.4.
Variant type: single nucleotide variant.
Coding change: c.3889G>A on transcript NM_003737.4 (MANE Select); coding-DNA position 3889, G replaced by A.
Protein change: p.Gly1297Ser; replaces glycine 1297 with serine.
Molecular consequence: missense variant.
Genome position (GRCh38, 1-based): chr11:6,631,094, C>T on the plus strand (G>A on the coding strand, the complement: DCHS1 is on the minus strand). VCF-style: chr11-6631094-C-T. GRCh37 (hg19) VCF-style: chr11-6652325-C-T.
Other names: short protein forms G1297S.
Identifiers: ClinVar variation 2979113 (VCV002979113.3), dbSNP rs368461039, ClinGen allele CA217299028.
Genomic context (GRCh38, chr11:6,631,094, plus strand): 5'-GGAGGAAGGGCAGCCATACCTGCACCAGCAGCTGGAGGCTGGCACTTCGAGGAGGGCTGC[C>T]TTGGTCATGAGCACTCAGTGTCAGCACATAGTGGGGCCGCTCTGCTCGGATCAGGGGAGC-3'
Protein context (NP_003728.1, residues 1287-1307): YVLTLSAHDQ[Gly1297Ser]SPPRSASLQL